The following is an entry in ClinVar:

ClinVar aggregate classification (germline): Conflicting classifications of pathogenicity. Review status: criteria provided, conflicting classifications (1 of 4 stars). 10 submissions from 10 submitters: Likely pathogenic (1); Uncertain significance (7). 2 of the submissions do not count toward it. Last evaluated 2025-05-01.

Conditions:
Neuronal ceroid lipofuscinosis. Also called: Neuronal Ceroid Lipofuscinoses. Identifiers: Orphanet 216, Orphanet 79263, MedGen C0027877, MONDO:0016295. Disease mechanism: loss of function.
Neuronal ceroid lipofuscinosis 5 (CLN5). Also called: CEROID LIPOFUSCINOSIS, NEURONAL, 5, VARIABLE AGE AT ONSET; Neuronal ceroid lipofuscinosis Finnish variant; NEURONAL CEROID LIPOFUSCINOSIS, LATE INFANTILE, FINNISH VARIANT; CLN5-Related Neuronal Ceroid-Lipofuscinosis. Identifiers: Orphanet 168491, Orphanet 228360, MedGen C1850442, MONDO:0009745, OMIM 256731.

Allele frequency attached by ClinVar (database versions not stated): TOPMed below 0.00001; gnomAD exomes 0.00001.

Submissions (10):

Mayo Clinic Laboratories, Mayo Clinic
Classification: Likely pathogenic. Last evaluated: 2025-05-01. Review status: criteria provided, single submitter. Criteria: ACMG Guidelines, 2015. Collection method: clinical testing. Allele origin: germline. Observed: 4 variant alleles.
Comment: PP3, PM2_supporting, PM3, PS4_moderate

Labcorp Genetics (formerly Invitae), Labcorp
Classification: Uncertain significance for Neuronal ceroid lipofuscinosis. Last evaluated: 2024-08-29. Review status: criteria provided, single submitter. Criteria: Invitae Variant Classification Sherloc (09022015). Collection method: clinical testing. Allele origin: germline.
Comment: This sequence change replaces phenylalanine, which is neutral and non-polar, with leucine, which is neutral and non-polar, at codon 188 of the CLN5 protein (p.Phe188Leu). This variant is not present in population databases (gnomAD no frequency). This missense change has been observed in individual(s) with clinical features of CLN5-related conditions (PMID: 33507209). This variant is also known as p.Phe139Leu. ClinVar contains an entry for this variant (Variation ID: 196438). Invitae Evidence Modeling of protein sequence and biophysical properties (such as structural, functional, and spatial information, amino acid conservation, physicochemical variation, residue mobility, and thermodynamic stability) has been performed for this missense variant. However, the output from this modeling did not meet the statistical confidence thresholds required to predict the impact of this variant on CLN5 protein function. In summary, the available evidence is currently insufficient to determine the role of this variant in disease. Therefore, it has been classified as a Variant of Uncertain Significance.

GeneDx
Classification: Uncertain significance. Last evaluated: 2024-05-22. Review status: criteria provided, single submitter. Criteria: GeneDx Variant Classification Process June 2021. Collection method: clinical testing. Allele origin: germline. Affected: yes.
Comment: Identified using alternate nomenclature c.415T>C p.(Phe139Leu) in the homozygous state in multiple unrelated patients in the literature with macular dystrophy; these individuals did not have other features consistent CLCN5-related neuronal ceroid lipofuscinosis (PMID: 33507209); Not observed at significant frequency in large population cohorts (gnomAD); In silico analysis supports that this missense variant has a deleterious effect on protein structure/function; This variant is associated with the following publications: (PMID: Sulaiman2020[casereport], 33507209)

Women's Health and Genetics/Laboratory Corporation of America, LabCorp
Classification: Uncertain significance. Last evaluated: 2024-05-08. Review status: criteria provided, single submitter. Criteria: LabCorp Variant Classification Summary - May 2015. Collection method: clinical testing. Allele origin: germline.
Comment: Variant summary: CLN5 c.415T>C (p.Phe139Leu) results in a non-conservative amino acid change in the encoded protein sequence. Five of five in-silico tools predict a damaging effect of the variant on protein function. The variant was absent in 251488 control chromosomes. The available data on variant occurrences in the general population are insufficient to allow any conclusion about variant significance. c.415T>C has been reported in the literature in settings of multi-gene panel testing in multiple homozygous individuals affected with macular dystrophy, with many cases described as non-syndromic, and without evidence of causality (e.g. Magliyah_2021). This report does not provide unequivocal conclusions about association of the variant with Neuronal Ceroid-Lipofuscinosis (Batten Disease). To our knowledge, no experimental evidence demonstrating an impact on protein function has been reported. The following publication has been ascertained in the context of this evaluation (PMID: 33507209). ClinVar contains an entry for this variant (Variation ID: 196438). Based on the evidence outlined above, the variant was classified as uncertain significance.

Blueprint Genetics
Classification: Uncertain significance. Last evaluated: 2023-11-20. Review status: criteria provided, single submitter. Criteria: ACMG Guidelines, 2015. Collection method: clinical testing. Allele origin: germline.

Genome-Nilou Lab
Classification: Uncertain significance for Neuronal ceroid lipofuscinosis 5. Last evaluated: 2021-09-05. Review status: criteria provided, single submitter. Criteria: ACMG Guidelines, 2015. Collection method: clinical testing. Allele origin: germline. Affected: no.

Baylor Genetics
Classification: Uncertain significance for Neuronal ceroid lipofuscinosis 5. Last evaluated: 2019-08-13. Review status: criteria provided, single submitter. Criteria: ACMG Guidelines, 2015. Collection method: clinical testing. Allele origin: unknown. Affected: yes.
Comment: This variant was determined to be of uncertain significance according to ACMG Guidelines, 2015 [PMID:25741868].

Eurofins Ntd Llc (ga)
Classification: Uncertain significance. Last evaluated: 2014-11-30. Review status: criteria provided, single submitter. Criteria: EGL Classification Definitions 2015. Collection method: clinical testing. Allele origin: germline. Observed: 1 variant allele, 1 heterozygote.

Natera, Inc.
Classification: Uncertain significance for Neuronal ceroid lipofuscinosis 5. Last evaluated: 2020-04-16. Review status: no assertion criteria provided. Collection method: clinical testing. Allele origin: germline. Not counted in ClinVar's aggregate classification.

Biochemical Molecular Genetic Laboratory, King Abdulaziz Medical City
Classification: Uncertain significance for Neuronal ceroid lipofuscinosis 5. Last evaluated: 2020-02-05. Review status: no assertion criteria provided. Collection method: clinical testing. Allele origin: germline. Affected: yes. Not counted in ClinVar's aggregate classification.

Literature cited by the submitters: PubMed 33507209 (cited by 3 submitters); PubMed 33507226 (cited by Mayo Clinic Laboratories, Mayo Clinic).

NM_006493.4(CLN5):c.415T>C (p.Phe139Leu)

Gene: CLN5 (CLN5 lysosomal BMP synthase; plus strand). Cytogenetic location: 13q22.3.
Variant type: single nucleotide variant.
Coding change: c.415T>C on transcript NM_006493.4 (MANE Select); coding-DNA position 415, T replaced by C.
Protein change: p.Phe139Leu; replaces phenylalanine 139 with leucine.
Molecular consequence: missense variant.
Genome position (GRCh38, 1-based): chr13:76,995,977, T>C. VCF-style: chr13-76995977-T-C. GRCh37 (hg19) VCF-style: chr13-77570112-T-C.
Other names: p.F188L:TTC>CTC; p.Phe139Leu; c.415T>C, p.Phe139Leu (NM_001366624.2); c.562T>C (LRG_692t1); short protein forms F139L.
Identifiers: ClinVar variation 196438 (VCV000196438.24), dbSNP rs794727507, ClinGen allele CA243394.
Genomic context (GRCh38, chr13:76,995,977, plus strand): 5'-GCCATTGGATTCAGAAGTACATTAACTGGCAAGAACTACACAATGGAATGGTATGAACTT[T>C]TCCAACTTGGCAACTGTACATTTCCCCATCTCCGACCTGAAATGGATGCCCCTTTCTGGT-3'
Protein context (NP_006484.2, residues 129-149): KNYTMEWYEL[Phe139Leu]QLGNCTFPHL